The following is an entry in ClinVar:

ClinVar aggregate classification (germline): Uncertain significance (1 of 4 stars; one submission).

Conditions:
Inborn genetic diseases. Identifiers: MedGen C0950123, MeSH D030342.

Allele frequency attached by ClinVar (database versions not stated): gnomAD exomes below 0.00001.

Submission:

Ambry Genetics
Classification: Uncertain significance for Inborn genetic diseases. Last evaluated: 2023-06-25. Review status: criteria provided, single submitter. Criteria: Ambry Variant Classification Scheme 2023. Collection method: clinical testing. Allele origin: germline.
Comment: The p.G45R variant (also known as c.133G>A), located in coding exon 2 of the RAD51 gene, results from a G to A substitution at nucleotide position 133. The glycine at codon 45 is replaced by arginine, an amino acid with dissimilar properties. This amino acid position is conserved. In addition, this alteration is predicted to be deleterious by in silico analysis. Since supporting evidence is limited at this time, the clinical significance of this alteration remains unclear.

NM_002875.5(RAD51):c.133G>A (p.Gly45Arg)

Gene: RAD51 (RAD51 recombinase; plus strand). Cytogenetic location: 15q15.1.
Variant type: single nucleotide variant.
Coding change: c.133G>A on transcript NM_002875.5 (MANE Select); coding-DNA position 133, G replaced by A.
Protein change: p.Gly45Arg; replaces glycine 45 with arginine.
Molecular consequence: missense variant.
Genome position (GRCh38, 1-based): chr15:40,701,109, G>A. VCF-style: chr15-40701109-G-A. GRCh37 (hg19) VCF-style: chr15-40993307-G-A.
Other names: c.133G>A, p.Gly45Arg (NM_001164269.2, NM_001164270.2, NM_133487.4); short protein forms G45R.
Identifiers: ClinVar variation 2585945 (VCV002585945.2), dbSNP rs2504414757, ClinGen allele CA391745626.